The following is an entry in ClinVar:

NM_003900.5(SQSTM1):c.*2_*4del (p.Ter441=)

Gene: SQSTM1 (sequestosome 1; plus strand). Cytogenetic location: 5q35.3.
Variant type: Deletion.
Coding change: c.*2_*4del on transcript NM_003900.5 (MANE Select); 2 bases downstream of the stop codon through 4 bases downstream of the stop codon, 3 bases deleted (CAC; older notation c.*2_*4delCAC).
Protein change: p.Ter441=.
Molecular consequence: no sequence alteration.
Genome position (GRCh38, 1-based): chr5:179,836,595-179,836,597, CAC deleted; deleting any 3 consecutive bases within chr5:179,836,593-179,836,597 gives the same sequence; the c. name uses the placement nearest the transcript's 3' end. VCF-style (leftmost placement, unchanged base first): chr5-179836592-GACC-G. GRCh37 (hg19) VCF-style: chr5-179263592-GACC-G.
Other names: c.*2_*4del, p.Ter357= (NM_001142298.2, NM_001142299.2).
Identifiers: ClinVar variation 1515878 (VCV001515878.6), dbSNP rs765964997, ClinGen allele CA3600893.

ClinVar aggregate classification (germline): Uncertain significance (1 of 4 stars; one submission).

Conditions:
Frontotemporal dementia and/or amyotrophic lateral sclerosis 1 (FTDALS1). Also called: Frontotemporal dementia with motor neuron disease 1; C9orf72 Frontotemporal Dementia and/or Amyotrophic Lateral Sclerosis. Identifiers: Orphanet 275872, MedGen C5779877, MONDO:0007105, OMIM 105550.
Paget disease of bone 2, early-onset (PDB2). Also called: Paget disease of bone 2. Identifiers: MedGen C4085251, MONDO:0011183, OMIM 602080.

Submission:

Labcorp Genetics (formerly Invitae), Labcorp
Classification: Uncertain significance for Paget disease of bone 2, early-onset; Frontotemporal dementia and/or amyotrophic lateral sclerosis 1. Last evaluated: 2025-05-16. Review status: criteria provided, single submitter. Criteria: Invitae Variant Classification Sherloc (09022015). Collection method: clinical testing. Allele origin: germline.
Comment: This variant occurs in a non-coding region of the SQSTM1 gene. It does not change the encoded amino acid sequence of the SQSTM1 protein. This variant is present in population databases (rs765964997, gnomAD 0.003%). This variant has not been reported in the literature in individuals affected with SQSTM1-related conditions. ClinVar contains an entry for this variant (Variation ID: 1515878). Experimental studies and prediction algorithms are not available or were not evaluated, and the functional significance of this variant is currently unknown. In summary, the available evidence is currently insufficient to determine the role of this variant in disease. Therefore, it has been classified as a Variant of Uncertain Significance.